The following is an entry in ClinVar:

ClinVar aggregate classification (germline): Conflicting classifications of pathogenicity. Review status: criteria provided, conflicting classifications (1 of 4 stars). 3 submissions from 3 submitters: Likely pathogenic (1); Uncertain significance (1). 1 of the submissions does not count toward it. Last evaluated 2024-04-25.

Conditions:
Ornithine carbamoyltransferase deficiency (OTCD). Also called: ORNITHINE TRANSCARBAMYLASE DEFICIENCY, HYPERAMMONEMIA DUE TO; ORNITHINE TRANSCARBAMYLASE DEFICIENCY; OTC DEFICIENCY; Ornithine Carbamoyltransferase Deficiency Disease. Identifiers: Orphanet 664, MedGen C0268542, MONDO:0010703, OMIM 311250.

Allele frequency attached by ClinVar (database versions not stated): gnomAD exomes below 0.00001.
gnomAD v4.1: 1 of 1,209,649 alleles (0.000083%); highest among the groups gnomAD compares: Non-Finnish European, 0.00011%; no homozygotes.

Submissions (3):

North West Genomic Laboratory Hub, Manchester University NHS Foundation Trust
Classification: Likely pathogenic for Ornithine carbamoyltransferase deficiency. Last evaluated: 2024-04-25. Review status: criteria provided, single submitter. Criteria: ACGS Best Practice Guidelines for Variant Classification in Rare Disease 2020. Collection method: clinical testing. Allele origin: germline. Affected: yes.
Comment: PS4_Mod PP3_Supp PP4_Str PM2_Mod

Revvity Omics, Revvity
Classification: Uncertain significance for Ornithine carbamoyltransferase deficiency. Last evaluated: 2023-07-09. Review status: criteria provided, single submitter. Criteria: ACMG Guidelines, 2015. Collection method: clinical testing. Allele origin: germline.

GenMed Metabolism Lab
Classification: Pathogenic. Review status: no assertion criteria provided. Collection method: not provided. Allele origin: unknown. Not counted in ClinVar's aggregate classification.
Comment: p.Val311Met, Late
ClinVar note: Converted during submission from pathogenic to Pathogenic.

NM_000531.6(OTC):c.931G>A (p.Val311Met)

Gene: OTC (ornithine transcarbamylase; plus strand). Cytogenetic location: Xp11.4.
Variant type: single nucleotide variant.
Coding change: c.931G>A on transcript NM_000531.6 (MANE Select); coding-DNA position 931, G replaced by A.
Protein change: p.Val311Met; replaces valine 311 with methionine.
Molecular consequence: missense variant.
Genome position (GRCh38, 1-based): chrX:38,411,925, G>A. VCF-style: chrX-38411925-G-A. GRCh37 (hg19) VCF-style: chrX-38271178-G-A.
Other names: short protein forms V311M.
Identifiers: ClinVar variation 97363 (VCV000097363.5), dbSNP rs72558468, ClinGen allele CA224842.
Genomic context (GRCh38, chrX:38,411,925, plus strand): 5'-GCTAAAGTTGCTGCCTCTGACTGGACATTTTTACACTGCTTGCCCAGAAAGCCAGAAGAA[G>A]TGGATGATGAAGTCTTTTATTCTCCTCGATCACTAGTGTTCCCAGAGGCAGAAAACAGAA-3'
Protein context (NP_000522.3, residues 301-321): LHCLPRKPEE[Val311Met]DDEVFYSPRS